The following is an entry in ClinVar:

NM_001375654.1(RP1):c.1582G>C (p.Glu528Gln)

Gene: RP1 (RP1 axonemal microtubule associated; plus strand). Cytogenetic location: 8q12.1.
Variant type: single nucleotide variant.
Coding change: c.1582G>C on transcript NM_001375654.1; coding-DNA position 1582, G replaced by C.
Protein change: p.Glu528Gln; replaces glutamic acid 528 with glutamine.
Molecular consequence: missense variant.
Genome position (GRCh38, 1-based): chr8:54,679,622, G>C. VCF-style: chr8-54679622-G-C. GRCh37 (hg19) VCF-style: chr8-55592182-G-C.
Other names: short protein forms E528Q.
Identifiers: ClinVar variation 4085537 (VCV004085537.8).

ClinVar aggregate classification (germline): Uncertain significance (1 of 4 stars; one submission).

Submission:

CeGaT Center for Human Genetics Tuebingen
Classification: Uncertain significance. Last evaluated: 2025-07-01. Review status: criteria provided, single submitter. Criteria: CeGaT Center For Human Genetics Tuebingen Variant Classification Criteria Version 2. Collection method: clinical testing. Allele origin: germline. Affected: yes. Observed: 1 variant allele.
Comment: RP1: PM2, BP4